The following is an entry in ClinVar:

ClinVar aggregate classification (germline): Uncertain significance (1 of 4 stars; one submission).

Conditions:
Pyridoxine-dependent epilepsy (EPEO4). Also called: PYRIDOXINE DEPENDENCY WITH SEIZURES; Pyridoxine-Dependent Seizures; Pyridoxine-Dependent Epilepsy - ALDH7A1; EPILEPSY, EARLY-ONSET, 4, VITAMIN B6-DEPENDENT. Identifiers: Orphanet 3006, MedGen C1849508, MONDO:0009945, OMIM 266100. Disease mechanism: loss of function.

Submission:

Labcorp Genetics (formerly Invitae), Labcorp
Classification: Uncertain significance for Pyridoxine-dependent epilepsy. Last evaluated: 2022-07-16. Review status: criteria provided, single submitter. Criteria: Invitae Variant Classification Sherloc (09022015). Collection method: clinical testing. Allele origin: germline.
Comment: In summary, the available evidence is currently insufficient to determine the role of this variant in disease. Therefore, it has been classified as a Variant of Uncertain Significance. Experimental studies and prediction algorithms are not available or were not evaluated, and the effect of this variant on mRNA splicing is currently unknown. This variant has not been reported in the literature in individuals affected with ALDH7A1-related conditions. This variant is not present in population databases (gnomAD no frequency). This sequence change falls in intron 7 of the ALDH7A1 gene. It does not directly change the encoded amino acid sequence of the ALDH7A1 protein.

NM_001182.5(ALDH7A1):c.695+24_695+25insACATGTGGCTTTCTTTTTTTTTTTTTTTTTTTTTTTTTNNNNNNNNNNTGACCTCATGATCCACCCGCCTCGGCCTCCCAAAGTGCTGGGATTACAGGCGTGAGCCACCGCGCCCGGCC

Gene: ALDH7A1 (aldehyde dehydrogenase 7 family member A1; minus strand). Cytogenetic location: 5q23.2.
Variant type: Microsatellite.
Coding change: c.695+24_695+25insACATGTGGCTTTCTTTTTTTTTTTTTTTTTTTTTTTTTNNNNNNNNNNTGACCTCATGATCCACCCGCCTCGGCCTCCCAAAGTGCTGGGATTACAGGCGTGAGCCACCGCGCCCGGCC on transcript NM_001182.5 (MANE Select); bases 24 to 25 of the intron after coding-DNA position 695, ACATGTGGCTTTCTTTTTTTTTTTTTTTTTTTTTTTTTNNNNNNNNNNTGACCTCATGATCCACCCGCCTCGGCCTCCCAAAGTGCTGGGATTACAGGCGTGAGCCACCGCGCCCGGCC inserted.
Molecular consequence: intron variant.
Genome position: GRCh38: chr5:126,575,396-126,575,413. GRCh37 (hg19): chr5:125,911,088-125,911,105.
Other names: c.695+24_695+25insACATGTGGCTTTCTTTTTTTTTTTTTTTTTTTTTTTTTNNNNNNNNNNTGACCTCATGATCCACCCGCCTCGGCCTCCCAAAGTGCTGGGATTACAGGCGTGAGCCACCGCGCCCGGCC (NM_001202404.2); c.611+24_611+25insACATGTGGCTTTCTTTTTTTTTTTTTTTTTTTTTTTTTNNNNNNNNNNTGACCTCATGATCCACCCGCCTCGGCCTCCCAAAGTGCTGGGATTACAGGCGTGAGCCACCGCGCCCGGCC (NM_001201377.2).
Identifiers: ClinVar variation 2011938 (VCV002011938.4).